The following is an entry in ClinVar:

ClinVar aggregate classification (germline): Uncertain significance. Review status: criteria provided, multiple submitters, no conflicts (2 of 4 stars). 3 submissions from 3 submitters: Uncertain significance (3). Last evaluated 2022-05-30.

Conditions:
Mucopolysaccharidosis, MPS-III-A (MPS3A). Also called: SANFILIPPO SYNDROME A; SULFAMIDASE DEFICIENCY; MPS III A; MUCOPOLYSACCHARIDOSIS, TYPE IIIA, ATTENUATED; Mucopolysaccharidosis type IIIA (Sanfilippo A); MPS IIIA (Sanfilippo Syndrome Type A). Identifiers: Orphanet 581, Orphanet 79269, MedGen C0086647, MONDO:0009655, OMIM 252900.
Inborn genetic diseases. Identifiers: MedGen C0950123, MeSH D030342.

Submissions (3):

Labcorp Genetics (formerly Invitae), Labcorp
Classification: Uncertain significance for Mucopolysaccharidosis, MPS-III-A. Last evaluated: 2022-05-30. Review status: criteria provided, single submitter. Criteria: Invitae Variant Classification Sherloc (09022015). Collection method: clinical testing. Allele origin: germline.
Comment: This sequence change replaces phenylalanine, which is neutral and non-polar, with valine, which is neutral and non-polar, at codon 362 of the SGSH protein (p.Phe362Val). In summary, the available evidence is currently insufficient to determine the role of this variant in disease. Therefore, it has been classified as a Variant of Uncertain Significance. Advanced modeling of protein sequence and biophysical properties (such as structural, functional, and spatial information, amino acid conservation, physicochemical variation, residue mobility, and thermodynamic stability) performed at Invitae indicates that this missense variant is expected to disrupt SGSH protein function. ClinVar contains an entry for this variant (Variation ID: 521903). This variant has not been reported in the literature in individuals affected with SGSH-related conditions. This variant is not present in population databases (gnomAD no frequency).

Genome-Nilou Lab
Classification: Uncertain significance for Mucopolysaccharidosis, MPS-III-A. Last evaluated: 2021-11-07. Review status: criteria provided, single submitter. Criteria: ACMG Guidelines, 2015. Collection method: clinical testing. Allele origin: germline. Affected: no.

Ambry Genetics
Classification: Uncertain significance for Inborn genetic diseases. Last evaluated: 2017-09-12. Review status: criteria provided, single submitter. Criteria: Ambry exome assertion method (8-5-2015). Collection method: clinical testing. Allele origin: germline. Affected: yes. Observed: 1 variant allele.

NM_000199.5(SGSH):c.1084T>G (p.Phe362Val)

Gene: SGSH (N-sulfoglucosamine sulfohydrolase; minus strand). Cytogenetic location: 17q25.3.
Variant type: single nucleotide variant.
Coding change: c.1084T>G on transcript NM_000199.5 (MANE Select); coding-DNA position 1084, T replaced by G.
Protein change: p.Phe362Val; replaces phenylalanine 362 with valine.
Molecular consequence: missense variant. On other transcripts: 3 prime UTR variant (2), non-coding transcript variant (1).
Genome position (GRCh38, 1-based): chr17:80,210,877, A>C on the plus strand (T>G on the coding strand, the complement: SGSH is on the minus strand). VCF-style: chr17-80210877-A-C. GRCh37 (hg19) VCF-style: chr17-78184676-A-C.
Other names: c.*171T>G (NM_001352921.3); c.*134T>G (NM_001352922.2); short protein forms F362V.
Identifiers: ClinVar variation 521903 (VCV000521903.10), dbSNP rs1555620294, ClinGen allele CA401359184.